The following is an entry in ClinVar:

ClinVar aggregate classification (germline): Pathogenic (1 of 4 stars; one submission).

Submission:

Labcorp Genetics (formerly Invitae), Labcorp
Classification: Pathogenic. Last evaluated: 2024-03-18. Review status: criteria provided, single submitter. Criteria: Invitae Variant Classification Sherloc (09022015). Collection method: clinical testing. Allele origin: germline.
Comment: This sequence change creates a premature translational stop signal (p.Gln579*) in the COL27A1 gene. It is expected to result in an absent or disrupted protein product. Loss-of-function variants in COL27A1 are known to be pathogenic (PMID: 24986830, 28276056). This variant is not present in population databases (gnomAD no frequency). This variant has not been reported in the literature in individuals affected with COL27A1-related conditions. For these reasons, this variant has been classified as Pathogenic.

Literature cited by the submitters: PubMed 24986830; PubMed 28276056.

NM_032888.4(COL27A1):c.1735C>T (p.Gln579Ter)

Gene: COL27A1 (collagen type XXVII alpha 1 chain; plus strand). Cytogenetic location: 9q32.
Variant type: single nucleotide variant.
Coding change: c.1735C>T on transcript NM_032888.4 (MANE Select); coding-DNA position 1735, C replaced by T.
Protein change: p.Gln579Ter; replaces glutamine 579 with a stop codon.
Molecular consequence: nonsense.
Genome position (GRCh38, 1-based): chr9:114,169,290, C>T. VCF-style: chr9-114169290-C-T. GRCh37 (hg19) VCF-style: chr9-116931570-C-T.
Other names: short protein forms Q579*.
Identifiers: ClinVar variation 3645087 (VCV003645087.2).